The following is an entry in ClinVar:

NM_006268.5(DPF2):c.601A>C (p.Ile201Leu)

Gene: DPF2 (double PHD fingers 2; plus strand). Cytogenetic location: 11q13.1.
Variant type: single nucleotide variant.
Coding change: c.601A>C on transcript NM_006268.5 (MANE Select); coding-DNA position 601, A replaced by C.
Protein change: p.Ile201Leu; replaces isoleucine 201 with leucine.
Molecular consequence: missense variant.
Genome position (GRCh38, 1-based): chr11:65,344,033, A>C. VCF-style: chr11-65344033-A-C. GRCh37 (hg19) VCF-style: chr11-65111504-A-C.
Other names: c.601A>C, p.Ile201Leu (NM_001330308.2); short protein forms I201L.
Identifiers: ClinVar variation 985546 (VCV000985546.4), dbSNP rs753940788, ClinGen allele CA6095320.

ClinVar aggregate classification (germline): Uncertain significance (1 of 4 stars; one submission).

Conditions:
Inborn genetic diseases. Identifiers: MedGen C0950123, MeSH D030342.

Allele frequency attached by ClinVar (database versions not stated): ExAC 0.00001; gnomAD 0.00001; gnomAD exomes 0.00001 and 0.00004; TOPMed 0.00001.
gnomAD v4.1: 53 of 1,614,224 alleles (0.0033%); highest among the groups gnomAD compares: Non-Finnish European, 0.0045%; no homozygotes.

Submission:

Ambry Genetics
Classification: Uncertain significance for Inborn genetic diseases. Last evaluated: 2021-12-17. Review status: criteria provided, single submitter. Criteria: Ambry Variant Classification Scheme 2023. Collection method: clinical testing. Allele origin: germline.
Comment: The c.601A>C (p.I201L) alteration is located in coding exon 6 of the DPF2 gene. This alteration results from an A to C substitution at nucleotide position 601, causing the isoleucine (I) at amino acid position 201 to be replaced by a leucine (L). Based on data from gnomAD, the C allele has an overall frequency of <0.01% (2/251422) total alleles studied. The highest observed frequency was <0.01% (2/113710) of European (non-Finnish) alleles. This amino acid position is not well conserved in available vertebrate species. This alteration is predicted to be tolerated by in silico analysis. Based on insufficient or conflicting evidence, the clinical significance of this alteration remains unclear.